The following is an entry in ClinVar:

ClinVar aggregate classification (germline): Pathogenic (1 of 4 stars; one submission).

Conditions:
Hereditary breast ovarian cancer syndrome. Also called: Hereditary breast and/or ovarian cancer syndrome; Hereditary breast and ovarian cancer syndrome (HBOC); Breast and ovarian cancer; Hereditary breast and ovarian cancer; BRCA1- and BRCA2-Associated Hereditary Breast and Ovarian Cancer; Hereditary breast and ovarian cancer syndrome. Identifiers: Orphanet 145, MedGen C0677776, MeSH D061325, MONDO:0003582. Disease mechanism: loss of function.

Submission:

Labcorp Genetics (formerly Invitae), Labcorp
Classification: Pathogenic for Hereditary breast ovarian cancer syndrome. Last evaluated: 2022-09-06. Review status: criteria provided, single submitter. Criteria: Invitae Variant Classification Sherloc (09022015). Collection method: clinical testing. Allele origin: germline.
Comment: This variant is a gross deletion of the genomic region encompassing exon(s) 17-19 of the BRCA1 gene. This deletion is out-of-frame, and is expected to create a premature termination codon and result in an absent or disrupted protein product. Loss-of-function variants in BRCA1 are known to be pathogenic (PMID: 20104584). A similar copy number variant has been observed in individual(s) with breast cancer (PMID: 29582426). For these reasons, this variant has been classified as Pathogenic.

Literature cited by the submitters: PubMed 20104584; PubMed 29582426.

NC_000017.11:g.(?_43057032)_(43063971_?)del

Gene: BRCA1 (BRCA1 DNA repair associated; minus strand). Cytogenetic location: 17q21.31.
Variant type: Deletion.
Identifiers: ClinVar variation 831049 (VCV000831049.2).